The following is an entry in ClinVar:

NM_032444.4(SLX4):c.611G>A (p.Arg204His)

Gene: SLX4 (SLX4 structure-specific endonuclease subunit; minus strand). Cytogenetic location: 16p13.3.
Variant type: single nucleotide variant.
Coding change: c.611G>A on transcript NM_032444.4 (MANE Select); coding-DNA position 611, G replaced by A.
Protein change: p.Arg204His; replaces arginine 204 with histidine.
Molecular consequence: missense variant.
Genome position (GRCh38, 1-based): chr16:3,606,623, C>T on the plus strand (G>A on the coding strand, the complement: SLX4 is on the minus strand). VCF-style: chr16-3606623-C-T. GRCh37 (hg19) VCF-style: chr16-3656624-C-T.
Other names: short protein forms R204H.
Identifiers: ClinVar variation 2573628 (VCV002573628.4), dbSNP rs1410797507, ClinGen allele CA394533395.

ClinVar aggregate classification (germline): Uncertain significance. Review status: criteria provided, multiple submitters, no conflicts (2 of 4 stars). 4 submissions from 4 submitters: Uncertain significance (4). Last evaluated 2025-10-14.

Conditions:
Fanconi anemia complementation group P. Also called: SLX4-Related Fanconi Anemia. Identifiers: Orphanet 84, MedGen C3469542, MONDO:0013499, OMIM 613951.
Inborn genetic diseases. Identifiers: MedGen C0950123, MeSH D030342.
Fanconi anemia (FA). Also called: Fanconi's anemia. Identifiers: Orphanet 84, MedGen C0015625, MeSH D005199, MONDO:0019391.

Allele frequency attached by ClinVar (database versions not stated): gnomAD 0.00001; TOPMed 0.00001.
gnomAD v4.1: 21 of 1,614,006 alleles (0.0013%); highest among the groups gnomAD compares: Non-Finnish European, 0.0017%; no homozygotes.

Submissions (4):

Labcorp Genetics (formerly Invitae), Labcorp
Classification: Uncertain significance for Fanconi anemia. Last evaluated: 2025-10-14. Review status: criteria provided, single submitter. Criteria: Invitae Variant Classification Sherloc (09022015). Collection method: clinical testing. Allele origin: germline.
Comment: This sequence change replaces arginine, which is basic and polar, with histidine, which is basic and polar, at codon 204 of the SLX4 protein (p.Arg204His). This variant is not present in population databases (gnomAD no frequency). This variant has not been reported in the literature in individuals affected with SLX4-related conditions. ClinVar contains an entry for this variant (Variation ID: 2573628). An algorithm developed to predict the effect of missense changes on protein structure and function (PolyPhen-2) suggests that this variant is likely to be disruptive. In summary, the available evidence is currently insufficient to determine the role of this variant in disease. Therefore, it has been classified as a Variant of Uncertain Significance.

Ambry Genetics
Classification: Uncertain significance for Inborn genetic diseases. Last evaluated: 2025-10-02. Review status: criteria provided, single submitter. Criteria: Ambry Variant Classification Scheme 2023. Collection method: clinical testing. Allele origin: germline.

Fulgent Genetics
Classification: Uncertain significance for Fanconi anemia complementation group P. Last evaluated: 2024-02-16. Review status: criteria provided, single submitter. Criteria: ACMG Guidelines, 2015. Collection method: clinical testing. Allele origin: germline.

Women's Health and Genetics/Laboratory Corporation of America, LabCorp
Classification: Uncertain significance. Last evaluated: 2023-06-13. Review status: criteria provided, single submitter. Criteria: LabCorp Variant Classification Summary - May 2015. Collection method: clinical testing. Allele origin: germline.
Comment: Variant summary: BTBD12 c.611G>A (p.Arg204His) results in a non-conservative amino acid change in the encoded protein sequence. Four of five in-silico tools predict a damaging effect of the variant on protein function. The variant was absent in 251474 control chromosomes. The available data on variant occurrences in the general population are insufficient to allow any conclusion about variant significance. To our knowledge, no occurrence of c.611G>A in individuals affected with Fanconi Anemia and no experimental evidence demonstrating its impact on protein function have been reported. No clinical diagnostic laboratories have submitted clinical-significance assessments for this variant to ClinVar after 2014. Based on the evidence outlined above, the variant was classified as uncertain significance.